The following is an entry in ClinVar:

ClinVar aggregate classification (germline): Uncertain significance (1 of 4 stars; one submission).

Conditions:
Peroxisome biogenesis disorder 2B (PBD2B). Identifiers: Orphanet 44, MedGen C3550234, MONDO:0008736, OMIM 202370.

Allele frequency attached by ClinVar (database versions not stated): gnomAD exomes 0.00001 and 0.00002; ExAC 0.00002.
gnomAD v4.1: 5 of 1,614,168 alleles (0.00031%); highest among the groups gnomAD compares: Admixed American, 0.0083%; no homozygotes.

Submission:

Labcorp Genetics (formerly Invitae), Labcorp
Classification: Uncertain significance for Peroxisome biogenesis disorder 2B. Last evaluated: 2022-07-18. Review status: criteria provided, single submitter. Criteria: Invitae Variant Classification Sherloc (09022015). Collection method: clinical testing. Allele origin: germline.
Comment: In summary, the available evidence is currently insufficient to determine the role of this variant in disease. Therefore, it has been classified as a Variant of Uncertain Significance. Algorithms developed to predict the effect of missense changes on protein structure and function (SIFT, PolyPhen-2, Align-GVGD) all suggest that this variant is likely to be tolerated. ClinVar contains an entry for this variant (Variation ID: 1450212). This variant has not been reported in the literature in individuals affected with PEX5-related conditions. This variant is present in population databases (rs761240813, gnomAD 0.01%). This sequence change replaces methionine, which is neutral and non-polar, with isoleucine, which is neutral and non-polar, at codon 91 of the PEX5 protein (p.Met91Ile).

NM_001351132.2(PEX5):c.273G>T (p.Met91Ile)

Gene: PEX5 (peroxisomal biogenesis factor 5; plus strand). Cytogenetic location: 12p13.31.
Variant type: single nucleotide variant.
Coding change: c.273G>T on transcript NM_001351132.2 (MANE Select); coding-DNA position 273, G replaced by T.
Protein change: p.Met91Ile; replaces methionine 91 with isoleucine.
Molecular consequence: missense variant.
Genome position (GRCh38, 1-based): chr12:7,191,315, G>T. VCF-style: chr12-7191315-G-T. GRCh37 (hg19) VCF-style: chr12-7343911-G-T.
Other names: c.273G>T, p.Met91Ile (NM_000319.5, NM_001131024.2, NM_001131025.2 and 19 more transcripts); c.318G>T, p.Met106Ile (NM_001131023.2, NM_001351135.3, NM_001351138.2); short protein forms M106I, M91I.
Identifiers: ClinVar variation 1450212 (VCV001450212.4), dbSNP rs761240813, ClinGen allele CA6426075.